The following is an entry in ClinVar:

ClinVar aggregate classification (germline): Uncertain significance (1 of 4 stars; one submission).

Conditions:
Hereditary cancer-predisposing syndrome. Also called: Neoplastic Syndromes, Hereditary; Tumor predisposition; Hereditary Cancer Syndrome; Hereditary neoplastic syndrome. Identifiers: Orphanet 140162, MedGen C0027672, MeSH D009386, MONDO:0015356.

Submission:

Ambry Genetics
Classification: Uncertain significance for Hereditary cancer-predisposing syndrome. Last evaluated: 2022-07-05. Review status: criteria provided, single submitter. Criteria: Ambry Variant Classification Scheme 2023. Collection method: clinical testing. Allele origin: germline.
Comment: The p.D615E variant (also known as c.1845T>G), located in coding exon 12 of the KIT gene, results from a T to G substitution at nucleotide position 1845. The aspartic acid at codon 615 is replaced by glutamic acid, an amino acid with highly similar properties. This amino acid position is conserved. In addition, the in silico prediction for this alteration is inconclusive. Since supporting evidence is limited at this time, the clinical significance of this alteration remains unclear.

NM_000222.3(KIT):c.1845T>G (p.Asp615Glu)

Gene: KIT (KIT proto-oncogene, receptor tyrosine kinase; plus strand). Cytogenetic location: 4q12.
Variant type: single nucleotide variant.
Coding change: c.1845T>G on transcript NM_000222.3 (MANE Select); coding-DNA position 1845, T replaced by G.
Protein change: p.Asp615Glu; replaces aspartic acid 615 with glutamic acid.
Molecular consequence: missense variant.
Genome position (GRCh38, 1-based): chr4:54,727,893, T>G. VCF-style: chr4-54727893-T-G. GRCh37 (hg19) VCF-style: chr4-55594059-T-G.
Other names: c.1833T>G, p.Asp611Glu (NM_001093772.2, NM_001385286.1); c.1848T>G, p.Asp616Glu (NM_001385284.1, NM_001385290.1); c.1845T>G, p.Asp615Glu (NM_001385285.1); c.1836T>G, p.Asp612Glu (NM_001385288.1, NM_001385292.1); short protein forms D612E, D616E, D611E, D615E.
Identifiers: ClinVar variation 1781243 (VCV001781243.2), dbSNP rs2109779986, ClinGen allele CA356908153.